The following is an entry in ClinVar:

NM_000501.4(ELN):c.790G>A (p.Ala264Thr)

Gene: ELN (elastin; plus strand). Cytogenetic location: 7q11.23.
Variant type: single nucleotide variant.
Coding change: c.790G>A on transcript NM_000501.4 (MANE Select); coding-DNA position 790, G replaced by A.
Protein change: p.Ala264Thr; replaces alanine 264 with threonine.
Molecular consequence: missense variant.
Genome position (GRCh38, 1-based): chr7:74,048,547, G>A. VCF-style: chr7-74048547-G-A. GRCh37 (hg19) VCF-style: chr7-73462877-G-A.
Other names: c.760G>A, p.Ala254Thr (NM_001081752.3, NM_001278917.2); c.805G>A, p.Ala269Thr (NM_001081753.3, NM_001081754.3); c.790G>A, p.Ala264Thr (NM_001081755.3, NM_001278912.2, NM_001278915.2 and 1 more transcripts); c.682G>A, p.Ala228Thr (NM_001278913.2); c.775G>A, p.Ala259Thr (NM_001278914.2); c.748G>A, p.Ala250Thr (NM_001278916.2); c.658G>A, p.Ala220Thr (NM_001278918.2); short protein forms A220T, A259T, A228T, A250T, A264T, A254T, A269T.
Identifiers: ClinVar variation 4981058 (VCV004981058.1).

ClinVar aggregate classification (germline): Uncertain significance (1 of 4 stars; one submission).

Conditions:
ELN-related disorder.

gnomAD v4.1: 5 of 1,613,970 alleles (0.00031%); highest among the groups gnomAD compares: South Asian, 0.0011%; no homozygotes.

Submission:

PreventionGenetics, part of Exact Sciences
Classification: Uncertain significance for ELN-related condition. Last evaluated: 2026-05-27. Review status: criteria provided, single submitter. Criteria: ACMG Guidelines, 2015. Collection method: clinical testing. Allele origin: germline.
Comment: The ELN c.790G>A variant is predicted to result in the amino acid substitution p.Ala264Thr. To our knowledge, this variant has not been reported in the literature. This variant is reported in 0.0018% of alleles in individuals of European (Non-Finnish) descent in gnomAD. At this time, the clinical significance of this variant is uncertain due to the absence of conclusive functional and genetic evidence.